The following is an entry in ClinVar:

NM_000821.7(GGCX):c.*3431C>T

Gene: GGCX (gamma-glutamyl carboxylase; minus strand). Cytogenetic location: 2p11.2.
Variant type: single nucleotide variant.
Coding change: c.*3431C>T on transcript NM_000821.7 (MANE Select); 3431 bases downstream of the stop codon, C replaced by T.
Molecular consequence: 3 prime UTR variant.
Genome position (GRCh38, 1-based): chr2:85,546,503, G>A on the plus strand (C>T on the coding strand, the complement: GGCX is on the minus strand). VCF-style: chr2-85546503-G-A. GRCh37 (hg19) VCF-style: chr2-85773626-G-A.
Other names: c.*3431C>T (NM_001142269.4).
Identifiers: ClinVar variation 337201 (VCV000337201.5), dbSNP rs72940569, ClinGen allele CA10614026.
Genomic context (GRCh38, chr2:85,546,503, plus strand): 5'-ATGGTAGCTTACACCTGTAATCCCAGCACTTTGGGAGGCTAATGCGGGTGGATCACCTGA[G>A]GTCACGGTTTGATACCAGCCTGGCAAACTGAAACCCCGTCTCTACCAAAAATACAAAAAA-3'

ClinVar aggregate classification (germline): Benign (1 of 4 stars; one submission).

Conditions:
Vitamin K-dependent clotting factors, combined deficiency of, type 1. Also called: FACTORS II, VII, IX, AND X, COMBINED DEFICIENCY OF; FAMILIAL MULTIPLE COAGULATION FACTOR DEFICIENCY III; FMFD III; GLUTAMIC ACID, DEFICIENT GAMMA-CARBOXYLATION OF; MULTIPLE COAGULATION FACTOR DEFICIENCY III; VITAMIN K-DEPENDENT COAGULATION DEFECT. Identifiers: Orphanet 98434, MedGen C1848534, MONDO:0010187, OMIM 277450.

Allele frequency attached by ClinVar (database versions not stated): 1000 Genomes Project 0.02536; gnomAD 0.02590 and 0.02772; 1000 Genomes Project 30x 0.02733; TOPMed 0.02916.

Submission:

Illumina Laboratory Services, Illumina
Classification: Benign for Vitamin K-dependent clotting factors, combined deficiency of, type 1. Last evaluated: 2018-01-13. Review status: criteria provided, single submitter. Criteria: ICSL Variant Classification Criteria 13 December 2019. Collection method: clinical testing. Allele origin: germline.
Comment: This variant was observed in the ICSL laboratory as part of a predisposition screen in an ostensibly healthy population. It had not been previously curated by ICSL or reported in the Human Gene Mutation Database (HGMD: prior to June 1st, 2018), and was therefore a candidate for classification through an automated scoring system. Utilizing variant allele frequency, disease prevalence and penetrance estimates, and inheritance mode, an automated score was calculated to assess if this variant is too frequent to cause the disease. Based on the score and internal cut-off values, a variant classified as benign is not then subjected to further curation. The score for this variant resulted in a classification of benign for this disease.